The following is an entry in ClinVar:

NM_144670.6(A2ML1):c.3337G>A (p.Asp1113Asn)

Gene: A2ML1 (alpha-2-macroglobulin like 1; plus strand). Cytogenetic location: 12p13.31.
Variant type: single nucleotide variant.
Coding change: c.3337G>A on transcript NM_144670.6 (MANE Select); coding-DNA position 3337, G replaced by A.
Protein change: p.Asp1113Asn; replaces aspartic acid 1113 with asparagine.
Molecular consequence: missense variant.
Genome position (GRCh38, 1-based): chr12:8,860,953, G>A. VCF-style: chr12-8860953-G-A. GRCh37 (hg19) VCF-style: chr12-9013549-G-A.
Other names: c.1864G>A, p.Asp622Asn (NM_001282424.3); short protein forms D1113N, D622N.
Identifiers: ClinVar variation 1056993 (VCV001056993.9), dbSNP rs2136930113, ClinGen allele CA383840352.

ClinVar aggregate classification (germline): Uncertain significance (1 of 4 stars; one submission).

Submission:

Labcorp Genetics (formerly Invitae), Labcorp
Classification: Uncertain significance. Last evaluated: 2018-03-15. Review status: criteria provided, single submitter. Criteria: Invitae Variant Classification Sherloc (09022015). Collection method: clinical testing. Allele origin: germline.
Comment: In summary, the available evidence is currently insufficient to determine the role of this variant in disease. Therefore, it has been classified as a Variant of Uncertain Significance. Algorithms developed to predict the effect of missense changes on protein structure and function output the following: SIFT: "Tolerated"; PolyPhen-2: "Benign"; Align-GVGD: "Class C0". The asparagine amino acid residue is found in multiple mammalian species, suggesting that this missense change does not adversely affect protein function. These predictions have not been confirmed by published functional studies and their clinical significance is uncertain. This variant has not been reported in the literature in individuals with A2ML1-related disease. This variant is not present in population databases (ExAC no frequency). This sequence change replaces aspartic acid with asparagine at codon 1113 of the A2ML1 protein (p.Asp1113Asn). The aspartic acid residue is moderately conserved and there is a small physicochemical difference between aspartic acid and asparagine.